The following is an entry in ClinVar:

ClinVar aggregate classification (germline): Likely pathogenic (1 of 4 stars; one submission).

Conditions:
Breast-ovarian cancer, familial, susceptibility to, 4. Identifiers: Orphanet 145, MedGen C3280345, MONDO:0013669, OMIM 614291.

Submission:

Myriad Genetics, Inc.
Classification: Likely pathogenic for Breast-ovarian cancer, familial, susceptibility to, 4. Last evaluated: 2023-12-19. Review status: criteria provided, single submitter. Criteria: Myriad Autosomal Dominant, Autosomal Recessive and X-Linked Classification Criteria (2023). Collection method: clinical testing. Allele origin: unknown.
Comment: This variant is considered likely pathogenic. This variant creates a frameshift predicted to result in premature protein truncation.

NM_002878.4(RAD51D):c.861dup (p.Gly288fs)

Genes: RAD51D (RAD51 paralog D; minus strand), RAD51L3-RFFL (RAD51L3-RFFL readthrough; minus strand). Cytogenetic location: 17q12.
Variant type: Duplication.
Coding change: c.861dup on transcript NM_002878.4 (MANE Select); coding-DNA position 861, one base duplicated (A; older notation c.861dupA).
Protein change: p.Gly288fs; shifts the reading frame from glycine 288.
Molecular consequence: frameshift variant. On other transcripts: non-coding transcript variant (3).
Genome position (GRCh38, 1-based): chr17:35,101,243, T duplicated on the plus strand (A on the coding strand, the reverse complement: RAD51D is on the minus strand). VCF-style (leftmost placement, unchanged base first): chr17-35101242-C-CT. GRCh37 (hg19) VCF-style: chr17-33428261-C-CT.
Other names: c.921dup, p.Gly308fs (NM_001142571.2); c.525dup, p.Gly176fs (NM_133629.3); short protein forms G288fs, G308fs, G176fs.
Identifiers: ClinVar variation 3148225 (VCV003148225.1), dbSNP rs2509124487, ClinGen allele CA2825002489.